The following is an entry in ClinVar:

ClinVar aggregate classification (germline): Likely pathogenic (1 of 4 stars; one submission).

Conditions:
LAMA2-related muscular dystrophy (LAMA2-RD). Also called: Laminin alpha 2-related dystrophy. Identifiers: MedGen C5679788, MONDO:0100228.

Submission:

Myriad Genetics, Inc.
Classification: Likely pathogenic for LAMA2-related muscular dystrophy. Last evaluated: 2019-11-28. Review status: criteria provided, single submitter. Criteria: Myriad Autosomal Dominant, Autosomal Recessive and X-Linked Classification Criteria (2023). Collection method: clinical testing. Allele origin: unknown.
Comment: NM_000426.3(LAMA2):c.1752G>A(W584*) is expected to be pathogenic in the context of LAMA2-related muscular dystrophy. This variant is predicted to lead to an abnormal or absent protein product due to the creation of a premature termination codon in LAMA2, a gene where loss-of-function variants are known to be pathogenic. Please note: this variant was assessed in the context of healthy population screening.

NM_000426.4(LAMA2):c.1752G>A (p.Trp584Ter)

Gene: LAMA2 (laminin subunit alpha 2; plus strand). Cytogenetic location: 6q22.33.
Variant type: single nucleotide variant.
Coding change: c.1752G>A on transcript NM_000426.4 (MANE Select); coding-DNA position 1752, G replaced by A.
Protein change: p.Trp584Ter; replaces tryptophan 584 with a stop codon.
Molecular consequence: nonsense.
Genome position (GRCh38, 1-based): chr6:129,192,823, G>A. VCF-style: chr6-129192823-G-A. GRCh37 (hg19) VCF-style: chr6-129513968-G-A.
Other names: c.1752G>A, p.Trp584Ter (NM_001079823.2); short protein forms W584*.
Identifiers: ClinVar variation 984072 (VCV000984072.4), dbSNP rs1781606569, ClinGen allele CA365608389.